The following is an entry in ClinVar:

NM_006231.4(POLE):c.6273C>A (p.Pro2091=)

Gene: POLE (DNA polymerase epsilon, catalytic subunit; minus strand). Cytogenetic location: 12q24.33.
Variant type: single nucleotide variant.
Coding change: c.6273C>A on transcript NM_006231.4 (MANE Select); coding-DNA position 6273, C replaced by A.
Protein change: p.Pro2091=; no amino-acid change (proline 2091 retained).
Molecular consequence: synonymous variant.
Genome position (GRCh38, 1-based): chr12:132,632,372, G>T on the plus strand (C>A on the coding strand, the complement: POLE is on the minus strand). VCF-style: chr12-132632372-G-T. GRCh37 (hg19) VCF-style: chr12-133208958-G-T.
Identifiers: ClinVar variation 1404183 (VCV001404183.8), dbSNP rs767769851, ClinGen allele CA482848670.

ClinVar aggregate classification (germline): Uncertain significance (1 of 4 stars; one submission).

Submission:

Labcorp Genetics (formerly Invitae), Labcorp
Classification: Uncertain significance. Last evaluated: 2025-10-19. Review status: criteria provided, single submitter. Criteria: Invitae Variant Classification Sherloc (09022015). Collection method: clinical testing. Allele origin: germline.
Comment: This sequence change affects codon 2091 of the POLE mRNA. It is a 'silent' change, meaning that it does not change the encoded amino acid sequence of the POLE protein. This variant is not present in population databases (gnomAD no frequency). This variant has not been reported in the literature in individuals affected with POLE-related conditions. ClinVar contains an entry for this variant (Variation ID: 1404183). Algorithms developed to predict the effect of sequence changes on RNA splicing suggest that this variant may create or strengthen a splice site. In summary, the available evidence is currently insufficient to determine the role of this variant in disease. Therefore, it has been classified as a Variant of Uncertain Significance.